The following is an entry in ClinVar:

NM_033402.5(LRRCC1):c.2841G>A (p.Lys947=)

Gene: LRRCC1 (leucine rich repeat and coiled-coil centrosomal protein 1; plus strand). Cytogenetic location: 8q21.2.
Variant type: single nucleotide variant.
Coding change: c.2841G>A on transcript NM_033402.5 (MANE Select); coding-DNA position 2841, G replaced by A.
Protein change: p.Lys947=; no amino-acid change (lysine 947 retained).
Molecular consequence: synonymous variant.
Genome position (GRCh38, 1-based): chr8:85,141,382, G>A. VCF-style: chr8-85141382-G-A. GRCh37 (hg19) VCF-style: chr8-86053617-G-A.
Other names: c.2562G>A, p.Lys854= (NM_001349636.2); c.2415G>A, p.Lys805= (NM_001349637.2); c.1944G>A, p.Lys648= (NM_001349638.2); c.1704G>A, p.Lys568= (NM_001349639.2).
Identifiers: ClinVar variation 2587952 (VCV002587952.4), dbSNP rs201637203, ClinGen allele CA4795026.
Genomic context (GRCh38, chr8:85,141,382, plus strand): 5'-TAATCTTTACATTCACACCACATATACACATATATATGTGGATGTTCTTGTTTTTTTAAG[G>A]AATGCAATGGAAAAACTTCATAGTATGGATGATGCCTTTAAAAGACAAGTTGATGCAATT-3'
Protein context (NP_208325.3, residues 937-957): AERDKSIELQ[Lys947=]NAMEKLHSMD

ClinVar aggregate classification (germline): Conflicting classifications of pathogenicity. Review status: criteria provided, conflicting classifications (1 of 4 stars). 2 submissions from 2 submitters: Uncertain significance (1); Likely benign (1). Last evaluated 2024-07-31.

Allele frequency attached by ClinVar (database versions not stated): ExAC 0.00004; gnomAD 0.00020; TOPMed 0.00023; ESP Exome Variant Server 0.00025; gnomAD exomes 0.00028.
gnomAD v4.1: 435 of 1,608,036 alleles (0.027%); highest among the groups gnomAD compares: Non-Finnish European, 0.035%; no homozygotes.

Submissions (2):

Labcorp Genetics (formerly Invitae), Labcorp
Classification: Uncertain significance. Last evaluated: 2024-07-31. Review status: criteria provided, single submitter. Criteria: Invitae Variant Classification Sherloc (09022015). Collection method: clinical testing. Allele origin: germline.
Comment: This sequence change affects codon 947 of the LRRCC1 mRNA. It is a 'silent' change, meaning that it does not change the encoded amino acid sequence of the LRRCC1 protein. It affects a nucleotide within the consensus splice site. This variant is present in population databases (rs201637203, gnomAD 0.02%). This variant has not been reported in the literature in individuals affected with LRRCC1-related conditions. ClinVar contains an entry for this variant (Variation ID: 2587952). Algorithms developed to predict the effect of sequence changes on RNA splicing suggest that this variant is not likely to affect RNA splicing. In summary, the available evidence is currently insufficient to determine the role of this variant in disease. Therefore, it has been classified as a Variant of Uncertain Significance.

Ambry Genetics
Classification: Likely benign. Last evaluated: 2023-08-22. Review status: criteria provided, single submitter. Criteria: Ambry Variant Classification Scheme 2023. Collection method: clinical testing. Allele origin: germline.